The following is an entry in ClinVar:

ClinVar aggregate classification (germline): Likely pathogenic (1 of 4 stars; one submission).

Conditions:
Microcephalic primordial dwarfism, Alazami type. Also called: FACIAL DYSMORPHISM, INTELLECTUAL DISABILITY, AND PRIMORDIAL DWARFISM; Alazami syndrome. Identifiers: Orphanet 319671, MedGen C3554439, MONDO:0014031, OMIM 615071.

Submission:

Department of Human Genetics, Hannover Medical School
Classification: Likely pathogenic for Microcephalic primordial dwarfism, Alazami type. Last evaluated: 2023-06-15. Review status: criteria provided, single submitter. Criteria: ACMG Guidelines, 2015. Collection method: clinical testing. Allele origin: germline. Affected: yes.
Comment: This change was detected homozygously. It leads to a frameshift and subsequently to a premature stop signal, which most likely results in the degradation of the formed mRNA via nonsense-mediated mRNA decay (NMD) and/or the expression of a truncated protein. In the databases LOVD shared and ClinVar as well as in the literature, the variant is unknown so far. The variant has not yet been detected in the normal population (population database gnomAD).

NM_016648.4(LARP7):c.223_229del (p.Val75fs)

Gene: LARP7 (La ribonucleoprotein 7, transcriptional regulator; plus strand). Cytogenetic location: 4q25.
Variant type: Deletion.
Coding change: c.223_229del on transcript NM_016648.4 (MANE Select); coding-DNA positions 223 to 229, 7 bases deleted (GTGTCTT; older notation c.223_229delGTGTCTT).
Protein change: p.Val75fs; shifts the reading frame from valine 75.
Molecular consequence: frameshift variant. On other transcripts: 5 prime UTR variant (2).
Genome position (GRCh38, 1-based): chr4:112,646,371-112,646,377, GTGTCTT deleted; deleting any 7 consecutive bases within chr4:112,646,368-112,646,377 gives the same sequence; the c. name uses the placement nearest the transcript's 3' end. VCF-style (leftmost placement, unchanged base first): chr4-112646367-ACTTGTGT-A. GRCh37 (hg19) VCF-style: chr4-113567523-ACTTGTGT-A.
Other names: c.223_229del, p.Val75fs (NM_001267039.4, NM_001370974.1, NM_001370975.1 and 6 more transcripts); c.-15_-9del (NM_001370981.1, NM_001370982.1); short protein forms V75fs.
Identifiers: ClinVar variation 2505310 (VCV002505310.1), dbSNP rs2477751846, ClinGen allele CA2580616754.